The following is an entry in ClinVar:

NM_206933.4(USH2A):c.1824dup (p.Glu609Ter)

Gene: USH2A (usherin; minus strand). Cytogenetic location: 1q41.
Variant type: Duplication.
Coding change: c.1824dup on transcript NM_206933.4 (MANE Select); coding-DNA position 1824, one base duplicated (T; older notation c.1824dupT).
Protein change: p.Glu609Ter; replaces glutamic acid 609 with a stop codon.
Molecular consequence: nonsense.
Genome position (GRCh38, 1-based): chr1:216,292,191, A duplicated on the plus strand (T on the coding strand, the reverse complement: USH2A is on the minus strand). VCF-style (leftmost placement, unchanged base first): chr1-216292190-C-CA. GRCh37 (hg19) VCF-style: chr1-216465532-C-CA.
Other names: c.1824dup, p.Glu609Ter (NM_007123.6); short protein forms E609*.
Identifiers: ClinVar variation 964285 (VCV000964285.11), dbSNP rs2037013894, ClinGen allele CA1139656582.
Genomic context (GRCh38, chr1:216,292,190, plus strand): 5'-GCACACAGGCCTCCAAACCAACTCAGGAATTTATTTGCTACTTACCTGTAGTGTTATGCT[C>CA]ACAATCATCACAAACTCCTCCTCCCCCTCTGAAGTGCTCAAAAGGAAATGGGTCTACAGA-3'

ClinVar aggregate classification (germline): Pathogenic/Likely pathogenic. Review status: criteria provided, multiple submitters, no conflicts (2 of 4 stars). 6 submissions from 5 submitters: Pathogenic (5); Likely pathogenic (1). Last evaluated 2025-02-05.

Conditions:
Usher syndrome type 2A. Also called: RETINAL DISEASE IN USHER SYNDROME TYPE IIA, MODIFIER OF; USHER SYNDROME, TYPE IIA. Identifiers: Orphanet 231178, Orphanet 886, MedGen C1848634, MONDO:0010169, OMIM 276901.
Retinitis pigmentosa 39 (RP39). Identifiers: Orphanet 791, MedGen C3151138, MONDO:0013436, OMIM 613809.

Submissions (6):

SingHealth Duke-NUS Institute of Precision Medicine
Classification: Likely pathogenic for Usher syndrome type 2A. Last evaluated: 2025-02-05. Review status: criteria provided, single submitter. Criteria: PRISM ACMG Classification Criteria. Collection method: clinical testing. Allele origin: germline. Affected: yes.
Comment: Variant is predicted to cause nonsense-mediated decay in a gene where LOF is a known cause of pathogenicity (PVS1). Variant is not found in gnomAD genomes and exomes (PM2).

Genome-Nilou Lab
Classification: Pathogenic for Retinitis pigmentosa 39. Last evaluated: 2023-11-04. Review status: criteria provided, single submitter. Criteria: ACMG Guidelines, 2015. Collection method: clinical testing. Allele origin: germline. Affected: no.

Genome-Nilou Lab
Classification: Pathogenic for Usher syndrome type 2A. Last evaluated: 2023-11-04. Review status: criteria provided, single submitter. Criteria: ACMG Guidelines, 2015. Collection method: clinical testing. Allele origin: germline. Affected: no.

Baylor Genetics
Classification: Pathogenic for Retinitis pigmentosa 39. Last evaluated: 2023-10-09. Review status: criteria provided, single submitter. Criteria: ACMG Guidelines, 2015. Collection method: clinical testing. Allele origin: unknown.

Fulgent Genetics
Classification: Pathogenic for Usher syndrome type 2A; Retinitis pigmentosa 39. Last evaluated: 2021-09-01. Review status: criteria provided, single submitter. Criteria: ACMG Guidelines, 2015. Collection method: clinical testing. Allele origin: unknown.

Labcorp Genetics (formerly Invitae), Labcorp
Classification: Pathogenic. Last evaluated: 2019-08-17. Review status: criteria provided, single submitter. Criteria: Invitae Variant Classification Sherloc (09022015). Collection method: clinical testing. Allele origin: germline.
Comment: Loss-of-function variants in USH2A are known to be pathogenic (PMID: 10729113, 10909849, 20507924, 25649381). For these reasons, this variant has been classified as Pathogenic. This variant has not been reported in the literature in individuals with USH2A-related conditions. This variant is not present in population databases (ExAC no frequency). This sequence change creates a premature translational stop signal (p.Glu609*) in the USH2A gene. It is expected to result in an absent or disrupted protein product.

Literature cited by the submitters: PubMed 10729113 (cited by Labcorp Genetics (formerly Invitae), Labcorp); PubMed 10909849 (cited by Labcorp Genetics (formerly Invitae), Labcorp); PubMed 20507924 (cited by Labcorp Genetics (formerly Invitae), Labcorp); PubMed 25649381 (cited by Labcorp Genetics (formerly Invitae), Labcorp).